The following is an entry in ClinVar:

NC_000015.9:g.(?_85382191)_(85411687_?)del

Gene: ALPK3 (alpha kinase 3; plus strand). Cytogenetic location: 15q25.3.
Variant type: Deletion.
Identifiers: ClinVar variation 2426593 (VCV002426593.3).

ClinVar aggregate classification (germline): Pathogenic (1 of 4 stars; one submission).

Submission:

Labcorp Genetics (formerly Invitae), Labcorp
Classification: Pathogenic. Last evaluated: 2022-02-12. Review status: criteria provided, single submitter. Criteria: Invitae Variant Classification Sherloc (09022015). Collection method: clinical testing. Allele origin: germline.
Comment: For these reasons, this variant has been classified as Pathogenic. This variant disrupts a region of the ALPK3 protein in which other variant(s) (p.Val812Met) have been determined to be pathogenic (PMID: 32480058). This suggests that this is a clinically significant region of the protein, and that variants that disrupt it are likely to be disease-causing. This variant has not been reported in the literature in individuals affected with ALPK3-related conditions. This variant is a gross deletion of the genomic region encompassing exon(s) 4-14 of the ALPK3 gene, which includes the termination codon. This deletion extends beyond the assayed region for this gene and therefore may encompass additional genes. While this deletion is not anticipated to lead to nonsense mediated decay, it is expected to alter mRNA translation or result in a truncated protein product.

Literature cited by the submitters: PubMed 32480058.